The following is an entry in ClinVar:

NM_144997.7(FLCN):c.1599G>A (p.Gln533=)

Gene: FLCN (folliculin; minus strand). Cytogenetic location: 17p11.2.
Variant type: single nucleotide variant.
Coding change: c.1599G>A on transcript NM_144997.7 (MANE Select); coding-DNA position 1599, G replaced by A.
Protein change: p.Gln533=; no amino-acid change (glutamine 533 retained).
Molecular consequence: synonymous variant.
Genome position (GRCh38, 1-based): chr17:17,213,796, C>T on the plus strand (G>A on the coding strand, the complement: FLCN is on the minus strand). VCF-style: chr17-17213796-C-T. GRCh37 (hg19) VCF-style: chr17-17117110-C-T.
Other names: c.1653G>A, p.Gln551= (NM_001353229.2); c.1599G>A, p.Gln533= (NM_001353230.2, NM_001353231.2); c.1599G>A (NM_144997.5).
Identifiers: ClinVar variation 1539661 (VCV001539661.10), dbSNP rs190965235, ClinGen allele CA498163120.
Genomic context (GRCh38, chr17:17,213,796, plus strand): 5'-CCAGAACTTCAGCAGCTTGACATTGTCCTCCTCGGACGCACCCAGGATGCTCAGCAGCTT[C>T]TGTGTGTCCTCTTTGGGTCGACTGTCCACCTTGGTGAACTTAAAAAGCACCTTCACTTTG-3'
Protein context (NP_659434.2, residues 523-543): KVDSRPKEDT[Gln533=]KLLSILGASE

ClinVar aggregate classification (germline): Benign/Likely benign. Review status: criteria provided, multiple submitters, no conflicts (2 of 4 stars). 3 submissions from 3 submitters: Benign (1); Likely benign (2). Last evaluated 2025-10-03.

Conditions:
Hereditary cancer-predisposing syndrome. Also called: Tumor predisposition; Hereditary Cancer Syndrome; Hereditary neoplastic syndrome; Neoplastic Syndromes, Hereditary. Identifiers: Orphanet 140162, MedGen C0027672, MeSH D009386, MONDO:0015356.
Birt-Hogg-Dube syndrome 1 (BHD1). Also called: FIBROFOLLICULOMAS WITH TRICHODISCOMAS AND ACROCHORDONS. Identifiers: Orphanet 122, MedGen CN375946, MONDO:0800445, OMIM 135150.
Birt-Hogg-Dube syndrome. Also called: Birt Hogg Dubé syndrome. Identifiers: Orphanet 122, MedGen C0346010, MONDO:0800444.

gnomAD v4.1: 1 of 1,614,248 alleles (0.000062%); highest among the groups gnomAD compares: Non-Finnish European, 0.000085%; no homozygotes.

Submissions (3):

Ambry Genetics
Classification: Likely benign for Hereditary cancer-predisposing syndrome. Last evaluated: 2025-10-03. Review status: criteria provided, single submitter. Criteria: Ambry Variant Classification Scheme 2023. Collection method: clinical testing. Allele origin: germline.

Labcorp Genetics (formerly Invitae), Labcorp
Classification: Likely benign for Birt-Hogg-Dube syndrome. Last evaluated: 2025-03-15. Review status: criteria provided, single submitter. Criteria: Invitae Variant Classification Sherloc (09022015). Collection method: clinical testing. Allele origin: germline.

Myriad Genetics, Inc.
Classification: Benign for Birt-Hogg-Dube syndrome 1. Last evaluated: 2024-10-28. Review status: criteria provided, single submitter. Criteria: Myriad Autosomal Dominant, Autosomal Recessive and X-Linked Classification Criteria (2023). Collection method: clinical testing. Allele origin: unknown.
Comment: This variant is considered benign. This variant is a silent/synonymous amino acid change and it is not expected to impact splicing.